The following is an entry in ClinVar:

ClinVar aggregate classification (germline): Uncertain significance (1 of 4 stars; one submission).

Submission:

GeneDx
Classification: Uncertain significance. Last evaluated: 2024-12-13. Review status: criteria provided, single submitter. Criteria: GeneDx Variant Classification Process June 2021. Collection method: clinical testing. Allele origin: germline. Affected: yes.
Comment: Not observed at significant frequency in large population cohorts (gnomAD); Canonical splice site variant with an unclear effect on protein function; Has not been previously published as pathogenic or benign to our knowledge

NM_014423.4(AFF4):c.1050+1_1050+5del

Gene: AFF4 (ALF transcription elongation factor 4; minus strand). Cytogenetic location: 5q31.1.
Variant type: Deletion.
Coding change: c.1050+1_1050+5del on transcript NM_014423.4 (MANE Select); the canonical splice donor site of the intron after coding-DNA position 1050 through 5 bases into the intron after coding-DNA position 1050, 5 bases deleted (GTAAG; older notation c.1050+1_1050+5delGTAAG).
Molecular consequence: splice donor variant.
Genome position (GRCh38, 1-based): chr5:132,927,116-132,927,120, CTTAC deleted on the plus strand (GTAAG on the coding strand, the reverse complement: AFF4 is on the minus strand); deleting any 5 consecutive bases within chr5:132,927,116-132,927,124 gives the same sequence; the c. name uses the placement nearest the transcript's 3' end. VCF-style (leftmost placement, unchanged base first): chr5-132927115-ACTTAC-A. GRCh37 (hg19) VCF-style: chr5-132262807-ACTTAC-A.
Identifiers: ClinVar variation 3903093 (VCV003903093.1).